The following is an entry in ClinVar:

NM_017841.4(SDHAF2):c.36+2T>C

Gene: SDHAF2 (succinate dehydrogenase complex assembly factor 2; plus strand). Cytogenetic location: 11q12.2.
Variant type: single nucleotide variant.
Coding change: c.36+2T>C on transcript NM_017841.4 (MANE Select); the canonical splice donor site of the intron after coding-DNA position 36, T replaced by C.
Molecular consequence: splice donor variant.
Genome position (GRCh38, 1-based): chr11:61,430,184, T>C. VCF-style: chr11-61430184-T-C. GRCh37 (hg19) VCF-style: chr11-61197656-T-C.
Identifiers: ClinVar variation 2682076 (VCV002682076.1), dbSNP rs765265524, ClinGen allele CA380680236.

ClinVar aggregate classification (germline): Uncertain significance (1 of 4 stars; one submission).

Submission:

Quest Diagnostics Nichols Institute San Juan Capistrano
Classification: Uncertain significance. Last evaluated: 2022-10-18. Review status: criteria provided, single submitter. Criteria: Quest Diagnostics criteria. Collection method: clinical testing. Allele origin: unknown.
Comment: This variant disrupts a canonical splice-donor site and is predicted to interfere with normal SDHAF2 mRNA splicing. To the best of our knowledge, the variant has not been reported in online databases or the published literature. It also has not been reported in large, multi-ethnic general populations. Based on the available information, we are unable to determine the clinical significance of this variant.